The following is an entry in ClinVar:

ClinVar aggregate classification (germline): Uncertain significance (1 of 4 stars; one submission).

Allele frequency attached by ClinVar (database versions not stated): TOPMed below 0.00001; gnomAD exomes 0.00002.

Submission:

Labcorp Genetics (formerly Invitae), Labcorp
Classification: Uncertain significance. Last evaluated: 2024-12-03. Review status: criteria provided, single submitter. Criteria: Invitae Variant Classification Sherloc (09022015). Collection method: clinical testing. Allele origin: germline.
Comment: This sequence change falls in intron 6 of the TGFB1 gene. It does not directly change the encoded amino acid sequence of the TGFB1 protein. It affects a nucleotide within the consensus splice site. This variant is present in population databases (no rsID available, gnomAD 0.002%). This variant has not been reported in the literature in individuals affected with TGFB1-related conditions. ClinVar contains an entry for this variant (Variation ID: 2003589). Variants that disrupt the consensus splice site are a relatively common cause of aberrant splicing (PMID: 17576681, 9536098). Algorithms developed to predict the effect of sequence changes on RNA splicing suggest that this variant may disrupt the consensus splice site. In summary, the available evidence is currently insufficient to determine the role of this variant in disease. Therefore, it has been classified as a Variant of Uncertain Significance.

Literature cited by the submitters: PubMed 17576681; PubMed 9536098.

NM_000660.7(TGFB1):c.1014+5del

Gene: TGFB1 (transforming growth factor beta 1; minus strand). Cytogenetic location: 19q13.2.
Variant type: Deletion.
Coding change: c.1014+5del on transcript NM_000660.7 (MANE Select); 5 bases into the intron after coding-DNA position 1014, one base deleted (G; older notation c.1014+5delG).
Molecular consequence: intron variant.
Genome position (GRCh38, 1-based): chr19:41,332,123, C deleted on the plus strand (G on the coding strand, the reverse complement: TGFB1 is on the minus strand). VCF-style (leftmost placement, unchanged base first): chr19-41332122-AC-A. GRCh37 (hg19) VCF-style: chr19-41838027-AC-A.
Identifiers: ClinVar variation 2003589 (VCV002003589.4), dbSNP rs1411345090, ClinGen allele CA633470142.